The following is an entry in ClinVar:

ClinVar aggregate classification (germline): Uncertain significance (1 of 4 stars; one submission).

Conditions:
Deafness-lymphedema-leukemia syndrome. Also called: Emberger syndrome; Lymphedema, primary, with myelodysplasia. Identifiers: Orphanet 3226, MedGen C3279664, MONDO:0013540, OMIM 614038.
Monocytopenia with susceptibility to infections. Also called: Dendritic cell, monocyte, B lymphocyte, and natural killer lymphocyte deficiency; MONOCYTOPENIA AND MYCOBACTERIAL INFECTION SYNDROME; MONOCYTOPENIA WITH SUSCEPTIBILITY TO MYCOBACTERIAL, FUNGAL, AND PAPILLOMAVIRUS INFECTIONS AND MYELODYSPLASIA; COMBINED IMMUNODEFICIENCY WITH SUSCEPTIBILITY TO MYCOBACTERIAL, VIRAL, AND FUNGAL INFECTIONS; IMMUNODEFICIENCY 21; GATA2 DEFICIENCY. Identifiers: Orphanet 228423, MedGen C3280030, MONDO:0013607, OMIM 614172.

Allele frequency attached by ClinVar (database versions not stated): gnomAD exomes below 0.00001.

Submission:

Labcorp Genetics (formerly Invitae), Labcorp
Classification: Uncertain significance for Monocytopenia with susceptibility to infections; Deafness-lymphedema-leukemia syndrome. Last evaluated: 2021-12-02. Review status: criteria provided, single submitter. Criteria: Invitae Variant Classification Sherloc (09022015). Collection method: clinical testing. Allele origin: germline.
Comment: Advanced modeling of protein sequence and biophysical properties (such as structural, functional, and spatial information, amino acid conservation, physicochemical variation, residue mobility, and thermodynamic stability) performed at Invitae indicates that this missense variant is not expected to disrupt GATA2 protein function. In summary, the available evidence is currently insufficient to determine the role of this variant in disease. Therefore, it has been classified as a Variant of Uncertain Significance. ClinVar contains an entry for this variant (Variation ID: 539709). This variant has not been reported in the literature in individuals affected with GATA2-related conditions. This variant is not present in population databases (gnomAD no frequency). This sequence change replaces valine, which is neutral and non-polar, with isoleucine, which is neutral and non-polar, at codon 47 of the GATA2 protein (p.Val47Ile).

NM_032638.5(GATA2):c.139G>A (p.Val47Ile)

Gene: GATA2 (GATA binding protein 2; minus strand). Cytogenetic location: 3q21.3.
Variant type: single nucleotide variant.
Coding change: c.139G>A on transcript NM_032638.5 (MANE Select); coding-DNA position 139, G replaced by A.
Protein change: p.Val47Ile; replaces valine 47 with isoleucine.
Molecular consequence: missense variant.
Genome position (GRCh38, 1-based): chr3:128,486,893, C>T on the plus strand (G>A on the coding strand, the complement: GATA2 is on the minus strand). VCF-style: chr3-128486893-C-T. GRCh37 (hg19) VCF-style: chr3-128205736-C-T.
Other names: c.139G>A, p.Val47Ile (NM_001145661.2, NM_001145662.1); short protein forms V47I.
Identifiers: ClinVar variation 539709 (VCV000539709.6), dbSNP rs1553771139, ClinGen allele CA354408694.
Genomic context (GRCh38, chr3:128,486,893, plus strand): 5'-GCGCGTGAGCGGGGTTGGCATAGTAGGGGTTGCCCTGCGAGTCGAGGTGATTGAAGAAGA[C>T]GTCCACCTCGTCTGGAGGCAGCAGCTGCGCGGGTTCCATGTAGTTGTGCGCCAGGCCCGG-3'
Protein context (NP_116027.2, residues 37-57): AQLLPPDEVD[Val47Ile]FFNHLDSQGN